The following is an entry in ClinVar:

ClinVar aggregate classification (germline): Uncertain significance. Review status: criteria provided, multiple submitters, no conflicts (2 of 4 stars). 5 submissions from 5 submitters: Uncertain significance (4). 1 of the submissions does not count toward it. Last evaluated 2026-01-28.

Conditions:
Bardet-Biedl syndrome 15 (BBS15). Identifiers: Orphanet 110, MedGen C3150127, MONDO:0014443, OMIM 615992.
Heart defect - tongue hamartoma - polysyndactyly syndrome. Also called: Congenital heart defects, hamartomas of tongue, and polysyndactyly. Identifiers: Orphanet 1338, MedGen C1857587, MONDO:0009008, OMIM 217085.
WDPCP-related disorder. Also called: WDPCP-related condition.
Bardet-Biedl syndrome (BBS). Identifiers: Orphanet 110, MedGen C0752166, MONDO:0015229.

Allele frequency attached by ClinVar (database versions not stated): ExAC 0.00001; gnomAD exomes 0.00001 and 0.00002; TOPMed 0.00003; gnomAD 0.00005 and 0.00006.
gnomAD v4.1: 19 of 1,614,034 alleles (0.0012%); highest among the groups gnomAD compares: Admixed American, 0.01%; no homozygotes.

Submissions (5):

Labcorp Genetics (formerly Invitae), Labcorp
Classification: Uncertain significance for Bardet-Biedl syndrome. Last evaluated: 2026-01-28. Review status: criteria provided, single submitter. Criteria: Invitae Variant Classification Sherloc (09022015). Collection method: clinical testing. Allele origin: germline.
Comment: This sequence change replaces serine, which is neutral and polar, with asparagine, which is neutral and polar, at codon 388 of the WDPCP protein (p.Ser388Asn). This variant is present in population databases (rs780625068, gnomAD 0.003%). This variant has not been reported in the literature in individuals affected with WDPCP-related conditions. ClinVar contains an entry for this variant (Variation ID: 917597). Invitae Evidence Modeling of protein sequence and biophysical properties (such as structural, functional, and spatial information, amino acid conservation, physicochemical variation, residue mobility, and thermodynamic stability) indicates that this missense variant is not expected to disrupt WDPCP protein function with a negative predictive value of 80%. In summary, the available evidence is currently insufficient to determine the role of this variant in disease. Therefore, it has been classified as a Variant of Uncertain Significance.

Blueprint Genetics
Classification: Uncertain significance. Last evaluated: 2023-06-26. Review status: criteria provided, single submitter. Criteria: ACMG Guidelines, 2015. Collection method: clinical testing. Allele origin: germline.

Fulgent Genetics
Classification: Uncertain significance for Heart defect - tongue hamartoma - polysyndactyly syndrome; Bardet-Biedl syndrome 15. Last evaluated: 2022-01-20. Review status: criteria provided, single submitter. Criteria: ACMG Guidelines, 2015. Collection method: clinical testing. Allele origin: unknown.

Women's Health and Genetics/Laboratory Corporation of America, LabCorp
Classification: Uncertain significance. Last evaluated: 2020-01-03. Review status: criteria provided, single submitter. Criteria: LabCorp Variant Classification Summary - May 2015. Collection method: clinical testing. Allele origin: germline.
Comment: Variant summary: WDPCP c.1163G>A (p.Ser388Asn) results in a conservative amino acid change in the encoded protein sequence. Five of five in-silico tools predict a benign effect of the variant on protein function. The variant allele was found at a frequency of 1.2e-05 in 248874 control chromosomes (gnomAD). The available data on variant occurrences in the general population are insufficient to allow any conclusion about variant significance. To our knowledge, no occurrence of c.1163G>A in individuals affected with Bardet-Biedl syndrome 15 and no experimental evidence demonstrating its impact on protein function have been reported. No clinical diagnostic laboratories have submitted clinical-significance assessments for this variant to ClinVar after 2014. Based on the evidence outlined above, the variant was classified as uncertain significance.

PreventionGenetics, part of Exact Sciences
Classification: Uncertain significance for WDPCP-related condition. Last evaluated: 2024-08-06. Review status: no assertion criteria provided. Collection method: clinical testing. Allele origin: germline. Not counted in ClinVar's aggregate classification.
Comment: The WDPCP c.1163G>A variant is predicted to result in the amino acid substitution p.Ser388Asn. To our knowledge, this variant has not been reported in the literature. This variant is reported in 0.0033% of alleles in individuals of South Asian descent in gnomAD. At this time, the clinical significance of this variant is uncertain due to the absence of conclusive functional and genetic evidence.

NM_015910.7(WDPCP):c.1163G>A (p.Ser388Asn)

Gene: WDPCP (WD repeat containing planar cell polarity effector; minus strand). Cytogenetic location: 2p15.
Variant type: single nucleotide variant.
Coding change: c.1163G>A on transcript NM_015910.7 (MANE Select); coding-DNA position 1163, G replaced by A.
Protein change: p.Ser388Asn; replaces serine 388 with asparagine.
Molecular consequence: missense variant. On other transcripts: non-coding transcript variant (3).
Genome position (GRCh38, 1-based): chr2:63,404,320, C>T on the plus strand (G>A on the coding strand, the complement: WDPCP is on the minus strand). VCF-style: chr2-63404320-C-T. GRCh37 (hg19) VCF-style: chr2-63631455-C-T.
Other names: c.686G>A, p.Ser229Asn (NM_001042692.3); c.1091G>A, p.Ser364Asn (NM_001354044.2); c.1163G>A, p.Ser388Asn (NM_001354045.2); short protein forms S229N, S364N, S388N.
Identifiers: ClinVar variation 917597 (VCV000917597.5), dbSNP rs780625068, ClinGen allele CA1682279.